The following is an entry in ClinVar:

NM_001010867.4(IBA57):c.932G>C (p.Arg311Thr)

Gene: IBA57 (iron-sulfur cluster assembly factor IBA57; plus strand). Cytogenetic location: 1q42.13.
Variant type: single nucleotide variant.
Coding change: c.932G>C on transcript NM_001010867.4 (MANE Select); coding-DNA position 932, G replaced by C.
Protein change: p.Arg311Thr; replaces arginine 311 with threonine.
Molecular consequence: missense variant.
Genome position (GRCh38, 1-based): chr1:228,175,374, G>C. VCF-style: chr1-228175374-G-C. GRCh37 (hg19) VCF-style: chr1-228363075-G-C.
Other names: c.353G>C, p.Arg118Thr (NM_001310327.2); short protein forms R311T, R118T.
Identifiers: ClinVar variation 1389125 (VCV001389125.8), dbSNP rs1377813001, ClinGen allele CA345116745.

ClinVar aggregate classification (germline): Uncertain significance (1 of 4 stars; one submission).

Conditions:
Multiple mitochondrial dysfunctions syndrome 3 (MMDS3). Identifiers: Orphanet 363424, MedGen C3809165, MONDO:0014132, OMIM 615330.
Hereditary spastic paraplegia 74. Also called: Spastic paraplegia 74, autosomal recessive. Identifiers: Orphanet 468661, MedGen C5568837, MONDO:0014644, OMIM 616451.

Allele frequency attached by ClinVar (database versions not stated): gnomAD exomes below 0.00001.
gnomAD v4.1: 1 of 1,613,012 alleles (0.000062%); highest among the groups gnomAD compares: Non-Finnish European, 0.000085%; no homozygotes.

Submission:

Labcorp Genetics (formerly Invitae), Labcorp
Classification: Uncertain significance for Multiple mitochondrial dysfunctions syndrome 3; Hereditary spastic paraplegia 74. Last evaluated: 2020-11-14. Review status: criteria provided, single submitter. Criteria: Invitae Variant Classification Sherloc (09022015). Collection method: clinical testing. Allele origin: germline.
Comment: This sequence change replaces arginine with threonine at codon 311 of the IBA57 protein (p.Arg311Thr). The arginine residue is moderately conserved and there is a moderate physicochemical difference between arginine and threonine. This variant is not present in population databases (ExAC no frequency). This variant has not been reported in the literature in individuals with IBA57-related conditions. Algorithms developed to predict the effect of missense changes on protein structure and function are either unavailable or do not agree on the potential impact of this missense change (SIFT: "Tolerated"; PolyPhen-2: "Probably Damaging"; Align-GVGD: "Class C0"). In summary, the available evidence is currently insufficient to determine the role of this variant in disease. Therefore, it has been classified as a Variant of Uncertain Significance.